The following is an entry in ClinVar:

ClinVar aggregate classification (germline): Uncertain significance (1 of 4 stars; one submission).

Conditions:
Progressive myoclonic epilepsy type 7. Identifiers: Orphanet 435438, MedGen C4015420, MONDO:0014521, OMIM 616187.

Submission:

Labcorp Genetics (formerly Invitae), Labcorp
Classification: Uncertain significance for Progressive myoclonic epilepsy type 7. Last evaluated: 2025-03-29. Review status: criteria provided, single submitter. Criteria: Invitae Variant Classification Sherloc (09022015). Collection method: clinical testing. Allele origin: germline.
Comment: This sequence change replaces lysine, which is basic and polar, with glutamic acid, which is acidic and polar, at codon 455 of the KCNC1 protein (p.Lys455Glu). This variant is not present in population databases (gnomAD no frequency). This variant has not been reported in the literature in individuals affected with KCNC1-related conditions. Invitae Evidence Modeling of protein sequence and biophysical properties (such as structural, functional, and spatial information, amino acid conservation, physicochemical variation, residue mobility, and thermodynamic stability) indicates that this missense variant is not expected to disrupt KCNC1 protein function with a negative predictive value of 80%. In summary, the available evidence is currently insufficient to determine the role of this variant in disease. Therefore, it has been classified as a Variant of Uncertain Significance.

NM_001112741.2(KCNC1):c.1363A>G (p.Lys455Glu)

Gene: KCNC1 (potassium voltage-gated channel subfamily C member 1; plus strand). Cytogenetic location: 11p15.1.
Variant type: single nucleotide variant.
Coding change: c.1363A>G on transcript NM_001112741.2 (MANE Select); coding-DNA position 1363, A replaced by G.
Protein change: p.Lys455Glu; replaces lysine 455 with glutamic acid.
Molecular consequence: missense variant.
Genome position (GRCh38, 1-based): chr11:17,772,457, A>G. VCF-style: chr11-17772457-A-G. GRCh37 (hg19) VCF-style: chr11-17794004-A-G.
Other names: c.1363A>G, p.Lys455Glu (NM_004976.4); short protein forms K455E.
Identifiers: ClinVar variation 4742978 (VCV004742978.1).